The following is an entry in ClinVar:

NM_000214.3(JAG1):c.1999+1G>A

Gene: JAG1 (jagged canonical Notch ligand 1; minus strand). Cytogenetic location: 20p12.2.
Variant type: single nucleotide variant.
Coding change: c.1999+1G>A on transcript NM_000214.3 (MANE Select); the canonical splice donor site of the intron after coding-DNA position 1999, G replaced by A.
Molecular consequence: splice donor variant.
Genome position (GRCh38, 1-based): chr20:10,645,970, C>T on the plus strand (G>A on the coding strand, the complement: JAG1 is on the minus strand). VCF-style: chr20-10645970-C-T. GRCh37 (hg19) VCF-style: chr20-10626618-C-T.
Identifiers: ClinVar variation 3647091 (VCV003647091.2).

ClinVar aggregate classification (germline): Likely pathogenic (1 of 4 stars; one submission).

Conditions:
Alagille syndrome due to a JAG1 point mutation. Also called: JAG1-Related Alagille Syndrome; Alagille Syndrome 1; HEPATIC DUCTULAR HYPOPLASIA, SYNDROMATIC. Identifiers: Orphanet 261619, Orphanet 52, MedGen C1956125, MONDO:0016862, OMIM 118450.

Submission:

Labcorp Genetics (formerly Invitae), Labcorp
Classification: Likely pathogenic for Alagille syndrome due to a JAG1 point mutation. Last evaluated: 2024-03-20. Review status: criteria provided, single submitter. Criteria: Invitae Variant Classification Sherloc (09022015). Collection method: clinical testing. Allele origin: germline.
Comment: This sequence change affects a donor splice site in intron 15 of the JAG1 gene. It is expected to disrupt RNA splicing. Variants that disrupt the donor or acceptor splice site typically lead to a loss of protein function (PMID: 16199547), and loss-of-function variants in JAG1 are known to be pathogenic (PMID: 11180599). This variant is not present in population databases (gnomAD no frequency). This variant has not been reported in the literature in individuals affected with JAG1-related conditions. Algorithms developed to predict the effect of sequence changes on RNA splicing suggest that this variant may disrupt the consensus splice site. In summary, the currently available evidence indicates that the variant is pathogenic, but additional data are needed to prove that conclusively. Therefore, this variant has been classified as Likely Pathogenic.

Literature cited by the submitters: PubMed 16199547; PubMed 11180599.